The following is an entry in ClinVar:

NM_000202.8(IDS):c.726T>A (p.Tyr242Ter)

Genes: IDS (iduronate 2-sulfatase; minus strand), LOC106050102 (IDS recombination region; plus strand). Cytogenetic location: Xq28.
Variant type: single nucleotide variant.
Coding change: c.726T>A on transcript NM_000202.8 (MANE Select); coding-DNA position 726, T replaced by A.
Protein change: p.Tyr242Ter; replaces tyrosine 242 with a stop codon.
Molecular consequence: nonsense. On other transcripts: non-coding transcript variant (1).
Genome position (GRCh38, 1-based): chrX:149,496,499, A>T on the plus strand (T>A on the coding strand, the complement: IDS is on the minus strand). VCF-style: chrX-149496499-A-T. GRCh37 (hg19) VCF-style: chrX-148578030-A-T.
Other names: c.456T>A, p.Tyr152Ter (NM_001166550.4); c.726T>A, p.Tyr242Ter (NM_006123.5); short protein forms Y152*, Y242*.
Identifiers: ClinVar variation 3255825 (VCV003255825.2).

ClinVar aggregate classification (germline): Pathogenic (1 of 4 stars; one submission).

Conditions:
Mucopolysaccharidosis, MPS-II (MPS2). Also called: Hunter Syndrome; IDURONATE 2-SULFATASE DEFICIENCY; Mucopolysaccharidosis Type II; Mucopolysaccharidosis type 2; Attenuated MPS (subtype; formerly known as mild MPS II); Severe MPS II. Identifiers: Orphanet 580, Orphanet 79388, MedGen C0026705, MONDO:0010674, OMIM 309900.

Submission:

Laboratory of Diagnosis and Therapy of Lysosomal Disorders, University of Padova
Classification: Pathogenic for Mucopolysaccharidosis, MPS-II. Last evaluated: 2024-06-07. Review status: criteria provided, single submitter. Criteria: ACMG Guidelines, 2015. Collection method: literature only. Allele origin: germline. Affected: yes. Observed: 1 variant allele.
Comment: Null variant (PVS1_VeryStrong), Absent from controls (or at low frequency) in gnomAD database (PM2_Moderate), Patient’s phenotype or family history highly specific for the disease (PP4_Strong)

Classification method: ACMG Guidelines [PMID:25741868] with modifications

Literature cited by the submitters: PubMed 27246110.